The following is an entry in ClinVar:

ClinVar aggregate classification (germline): Uncertain significance. Review status: criteria provided, multiple submitters, no conflicts (2 of 4 stars). 2 submissions from 2 submitters: Uncertain significance (2). Last evaluated 2025-06-26.

Conditions:
Inborn genetic diseases. Identifiers: MedGen C0950123, MeSH D030342.
Primary immunodeficiency with post-measles-mumps-rubella vaccine viral infection. Also called: Immunodeficiency 44. Identifiers: Orphanet 431166, MedGen C4225260, MONDO:0014715, OMIM 616636.

Allele frequency attached by ClinVar (database versions not stated): ExAC 0.00005; gnomAD 0.00007 and 0.00008; gnomAD exomes 0.00008 and 0.00019; TOPMed 0.00009; ESP Exome Variant Server 0.00015.

Submissions (2):

Ambry Genetics
Classification: Uncertain significance for Inborn genetic diseases. Last evaluated: 2025-06-26. Review status: criteria provided, single submitter. Criteria: Ambry Variant Classification Scheme 2023. Collection method: clinical testing. Allele origin: germline.

Labcorp Genetics (formerly Invitae), Labcorp
Classification: Uncertain significance for Primary immunodeficiency with post-measles-mumps-rubella vaccine viral infection. Last evaluated: 2022-08-12. Review status: criteria provided, single submitter. Criteria: Invitae Variant Classification Sherloc (09022015). Collection method: clinical testing. Allele origin: germline.
Comment: This sequence change replaces threonine, which is neutral and polar, with methionine, which is neutral and non-polar, at codon 434 of the STAT2 protein (p.Thr434Met). This variant is present in population databases (rs146115536, gnomAD 0.02%). This variant has not been reported in the literature in individuals affected with STAT2-related conditions. ClinVar contains an entry for this variant (Variation ID: 542347). Algorithms developed to predict the effect of missense changes on protein structure and function output the following: SIFT: "Tolerated"; PolyPhen-2: "Benign"; Align-GVGD: "Class C0". The methionine amino acid residue is found in multiple mammalian species, which suggests that this missense change does not adversely affect protein function. In summary, the available evidence is currently insufficient to determine the role of this variant in disease. Therefore, it has been classified as a Variant of Uncertain Significance.

NM_005419.4(STAT2):c.1301C>T (p.Thr434Met)

Gene: STAT2 (signal transducer and activator of transcription 2; minus strand). Cytogenetic location: 12q13.3.
Variant type: single nucleotide variant.
Coding change: c.1301C>T on transcript NM_005419.4 (MANE Select); coding-DNA position 1301, C replaced by T.
Protein change: p.Thr434Met; replaces threonine 434 with methionine.
Molecular consequence: missense variant.
Genome position (GRCh38, 1-based): chr12:56,349,466, G>A on the plus strand (C>T on the coding strand, the complement: STAT2 is on the minus strand). VCF-style: chr12-56349466-G-A. GRCh37 (hg19) VCF-style: chr12-56743250-G-A.
Other names: c.1301C>T, p.Thr434Met (LRG_1329t1); c.1289C>T, p.Thr430Met (NM_198332.2); short protein forms T434M, T430M.
Identifiers: ClinVar variation 542347 (VCV000542347.8), dbSNP rs146115536, ClinGen allele CA6630560.